The following is an entry in ClinVar:

NM_003998.4(NFKB1):c.117A>G (p.Thr39=)

Gene: NFKB1 (nuclear factor kappa B subunit 1; plus strand). Cytogenetic location: 4q24.
Variant type: single nucleotide variant.
Coding change: c.117A>G on transcript NM_003998.4 (MANE Select); coding-DNA position 117, A replaced by G.
Protein change: p.Thr39=; no amino-acid change (threonine 39 retained).
Molecular consequence: synonymous variant.
Genome position (GRCh38, 1-based): chr4:102,529,913, A>G. VCF-style: chr4-102529913-A-G. GRCh37 (hg19) VCF-style: chr4-103451070-A-G.
Other names: c.117A>G, p.Thr39= (NM_001165412.2, NM_001319226.2, NM_001382625.1 and 2 more transcripts); c.78A>G, p.Thr26= (NM_001382628.1).
Identifiers: ClinVar variation 4771672 (VCV004771672.1).

ClinVar aggregate classification (germline): Uncertain significance (1 of 4 stars; one submission).

gnomAD v4.1: 3 of 1,605,664 alleles (0.00019%); highest among the groups gnomAD compares: African/African-American, 0.0027%; no homozygotes.

Submission:

Labcorp Genetics (formerly Invitae), Labcorp
Classification: Uncertain significance. Last evaluated: 2025-03-20. Review status: criteria provided, single submitter. Criteria: Invitae Variant Classification Sherloc (09022015). Collection method: clinical testing. Allele origin: germline.
Comment: This sequence change affects codon 39 of the NFKB1 mRNA. It is a 'silent' change, meaning that it does not change the encoded amino acid sequence of the NFKB1 protein. It affects a nucleotide within the consensus splice site. This variant is not present in population databases (gnomAD no frequency). This variant has not been reported in the literature in individuals affected with NFKB1-related conditions. Algorithms developed to predict the effect of sequence changes on RNA splicing suggest that this variant is not likely to affect RNA splicing. In summary, the available evidence is currently insufficient to determine the role of this variant in disease. Therefore, it has been classified as a Variant of Uncertain Significance.